The following is an entry in ClinVar:

ClinVar aggregate classification (germline): Uncertain significance (1 of 4 stars; one submission).

Conditions:
Myopathy, proximal, and ophthalmoplegia (CMYO6). Also called: MYOPATHY WITH CONGENITAL JOINT CONTRACTURES, OPHTHALMOPLEGIA, AND RIMMED VACUOLES; CONGENITAL MYOPATHY 6 WITH OPHTHALMOPLEGIA; INCLUSION BODY MYOPATHY 3, AUTOSOMAL DOMINANT. Identifiers: Orphanet 363677, Orphanet 79091, MedGen C1854106, MONDO:0011577, OMIM 605637.

Allele frequency attached by ClinVar (database versions not stated): gnomAD 0.00001; TOPMed 0.00001; ExAC 0.00002; gnomAD exomes 0.00002; 1000 Genomes Project 30x 0.00016; 1000 Genomes Project 0.00020.

Submission:

Labcorp Genetics (formerly Invitae), Labcorp
Classification: Uncertain significance for Myopathy, proximal, and ophthalmoplegia. Last evaluated: 2024-02-24. Review status: criteria provided, single submitter. Criteria: Invitae Variant Classification Sherloc (09022015). Collection method: clinical testing. Allele origin: germline.
Comment: This sequence change replaces arginine, which is basic and polar, with cysteine, which is neutral and slightly polar, at codon 1682 of the MYH2 protein (p.Arg1682Cys). This variant is present in population databases (rs568249919, gnomAD 0.004%). This variant has not been reported in the literature in individuals affected with MYH2-related conditions. ClinVar contains an entry for this variant (Variation ID: 1918184). Advanced modeling of protein sequence and biophysical properties (such as structural, functional, and spatial information, amino acid conservation, physicochemical variation, residue mobility, and thermodynamic stability) performed at Invitae indicates that this missense variant is expected to disrupt MYH2 protein function with a positive predictive value of 80%. In summary, the available evidence is currently insufficient to determine the role of this variant in disease. Therefore, it has been classified as a Variant of Uncertain Significance.

NM_017534.6(MYH2):c.5044C>T (p.Arg1682Cys)

Genes: MYH2 (myosin heavy chain 2; minus strand), MYHAS (myosin heavy chain gene cluster antisense RNA; plus strand), LOC126862500 (BRD4-independent group 4 enhancer GRCh37_chr17:10427829-10429028; plus strand). Cytogenetic location: 17p13.1.
Variant type: single nucleotide variant.
Coding change: c.5044C>T on transcript NM_017534.6 (MANE Select); coding-DNA position 5044, C replaced by T.
Protein change: p.Arg1682Cys; replaces arginine 1682 with cysteine.
Molecular consequence: missense variant.
Genome position (GRCh38, 1-based): chr17:10,524,597, G>A on the plus strand (C>T on the coding strand, the complement: MYH2 is on the minus strand). VCF-style: chr17-10524597-G-A. GRCh37 (hg19) VCF-style: chr17-10427914-G-A.
Other names: c.5044C>T, p.Arg1682Cys (NM_001100112.2); short protein forms R1682C.
Identifiers: ClinVar variation 1918184 (VCV001918184.5), dbSNP rs568249919, ClinGen allele CA8390503.